The following is an entry in ClinVar:

NM_001032283.3(TMPO):c.565+2095A>C

Gene: TMPO (thymopoietin; plus strand). Cytogenetic location: 12q23.1.
Variant type: single nucleotide variant.
Coding change: c.565+2095A>C on transcript NM_001032283.3 (MANE Select); 2095 bases into the intron after coding-DNA position 565, A replaced by C.
Molecular consequence: intron variant. On other transcripts: missense variant (1).
Genome position (GRCh38, 1-based): chr12:98,533,933, A>C. VCF-style: chr12-98533933-A-C. GRCh37 (hg19) VCF-style: chr12-98927711-A-C.
Other names: c.1676A>C, p.Glu559Ala (NM_003276.2); c.565+2095A>C (NM_001307975.2, NM_001032284.3); short protein forms E559A.
Identifiers: ClinVar variation 1471267 (VCV001471267.10), dbSNP rs557983360, ClinGen allele CA6732460.

ClinVar aggregate classification (germline): Uncertain significance. Review status: criteria provided, multiple submitters, no conflicts (2 of 4 stars). 2 submissions from 2 submitters: Uncertain significance (2). Last evaluated 2025-11-22.

Conditions:
Loeys-Dietz syndrome 2 (LDS2). Also called: MARFAN SYNDROME, TYPE II; AORTIC ANEURYSM, FAMILIAL THORACIC 3; Marfan syndrome, type 2 (formerly); TGFBR2-Related Loeys-Dietz Syndrome; Marfan Syndrome type 2; Marfan like connective tissue disorder. Identifiers: Orphanet 284973, Orphanet 558, MedGen C2674574, MONDO:0012427, OMIM 610168.

Allele frequency attached by ClinVar (database versions not stated): gnomAD exomes below 0.00001 and 0.00001; ExAC 0.00002; gnomAD 0.00002 and 0.00004; TOPMed 0.00002.
gnomAD v4.1: 10 of 1,614,070 alleles (0.00062%); highest among the groups gnomAD compares: African/African-American, 0.012%; no homozygotes.

Submissions (2):

Labcorp Genetics (formerly Invitae), Labcorp
Classification: Uncertain significance for Loeys-Dietz syndrome 2. Last evaluated: 2025-11-22. Review status: criteria provided, single submitter. Criteria: Invitae Variant Classification Sherloc (09022015). Collection method: clinical testing. Allele origin: germline.
Comment: This sequence change replaces glutamic acid, which is acidic and polar, with alanine, which is neutral and non-polar, at codon 559 of the TMPO protein (p.Glu559Ala). This variant is present in population databases (rs557983360, gnomAD 0.01%). This variant has not been reported in the literature in individuals affected with TMPO-related conditions. ClinVar contains an entry for this variant (Variation ID: 1471267). Invitae Evidence Modeling of protein sequence and biophysical properties (such as structural, functional, and spatial information, amino acid conservation, physicochemical variation, residue mobility, and thermodynamic stability) indicates that this missense variant is not expected to disrupt TMPO protein function with a negative predictive value of 80%. In summary, the available evidence is currently insufficient to determine the role of this variant in disease. Therefore, it has been classified as a Variant of Uncertain Significance.

Ambry Genetics
Classification: Uncertain significance. Last evaluated: 2024-01-30. Review status: criteria provided, single submitter. Criteria: Ambry Variant Classification Scheme 2023. Collection method: clinical testing. Allele origin: germline.